The following is an entry in ClinVar:

NM_138927.4(SON):c.1294G>A (p.Ala432Thr)

Gene: SON (SON DNA and RNA binding protein; plus strand). Cytogenetic location: 21q22.11.
Variant type: single nucleotide variant.
Coding change: c.1294G>A on transcript NM_138927.4 (MANE Select); coding-DNA position 1294, G replaced by A.
Protein change: p.Ala432Thr; replaces alanine 432 with threonine.
Molecular consequence: missense variant. On other transcripts: non-coding transcript variant (1), intron variant (1).
Genome position (GRCh38, 1-based): chr21:33,550,525, G>A. VCF-style: chr21-33550525-G-A. GRCh37 (hg19) VCF-style: chr21-34922831-G-A.
Other names: c.1294G>A, p.Ala432Thr (NM_001291411.2, NM_001412133.1, NM_032195.3 and 2 more transcripts); c.244+4146G>A (NM_001291412.3); short protein forms A432T.
Identifiers: ClinVar variation 3006701 (VCV003006701.3), dbSNP rs2085746316, ClinGen allele CA410153523.
Genomic context (GRCh38, chr21:33,550,525, plus strand): 5'-CCGGTGCCAGAGTTGCCAGGGCCCCTTTCTACCCCAGTGCCTGAGTTGCCAGGGCCCCCT[G>A]CGACAGCAGTGCCTGAGTTGCCAGGGCCCTCTGTGACACCAGTGCCACAGTTGTCGCAGG-3'
Protein context (NP_620305.3, residues 422-442): TPVPELPGPP[Ala432Thr]TAVPELPGPS

ClinVar aggregate classification (germline): Uncertain significance (1 of 4 stars; one submission).

Submission:

Labcorp Genetics (formerly Invitae), Labcorp
Classification: Uncertain significance. Last evaluated: 2023-10-23. Review status: criteria provided, single submitter. Criteria: Invitae Variant Classification Sherloc (09022015). Collection method: clinical testing. Allele origin: germline.
Comment: This sequence change replaces alanine, which is neutral and non-polar, with threonine, which is neutral and polar, at codon 432 of the SON protein (p.Ala432Thr). This variant is not present in population databases (gnomAD no frequency). This variant has not been reported in the literature in individuals affected with SON-related conditions. An algorithm developed to predict the effect of missense changes on protein structure and function (PolyPhen-2) suggests that this variant is likely to be disruptive. In summary, the available evidence is currently insufficient to determine the role of this variant in disease. Therefore, it has been classified as a Variant of Uncertain Significance.